The following is an entry in ClinVar:

NM_000540.3(RYR1):c.7462C>T (p.Pro2488Ser)

Gene: RYR1 (ryanodine receptor 1; plus strand). Cytogenetic location: 19q13.2.
Variant type: single nucleotide variant.
Coding change: c.7462C>T on transcript NM_000540.3 (MANE Select); coding-DNA position 7462, C replaced by T.
Protein change: p.Pro2488Ser; replaces proline 2488 with serine.
Molecular consequence: missense variant.
Genome position (GRCh38, 1-based): chr19:38,500,838, C>T. VCF-style: chr19-38500838-C-T. GRCh37 (hg19) VCF-style: chr19-38991478-C-T.
Other names: c.7462C>T, p.Pro2488Ser (NM_001042723.2); short protein forms P2488S.
Identifiers: ClinVar variation 4883664 (VCV004883664.2).

ClinVar aggregate classification (germline): Uncertain significance (1 of 4 stars; one submission).

gnomAD v4.1: 1 of 1,614,022 alleles (0.000062%); highest among the groups gnomAD compares: Non-Finnish European, 0.000085%; no homozygotes.

Submission:

Dasa
Classification: Uncertain significance. Last evaluated: 2025-10-31. Review status: criteria provided, single submitter. Criteria: DASA Assertion Criteria. Collection method: clinical testing. Allele origin: germline.
Comment: NM_000540.3(RYR1):c.7462C>T (p.Pro2488Ser) is a missense variant that results in the substitution of proline with serine. This variant is rare in population databases. The currently available literature and clinical evidence are not sufficient to establish a definitive association between this variant and the reported condition. Therefore, this variant is classified as a variant of uncertain significance.